The following is an entry in ClinVar:

ClinVar aggregate classification (germline): Uncertain significance (1 of 4 stars; one submission).

Conditions:
Hereditary cancer-predisposing syndrome. Also called: Tumor predisposition; Hereditary Cancer Syndrome; Hereditary neoplastic syndrome; Neoplastic Syndromes, Hereditary. Identifiers: Orphanet 140162, MedGen C0027672, MeSH D009386, MONDO:0015356.

Submission:

Ambry Genetics
Classification: Uncertain significance for Hereditary cancer-predisposing syndrome. Last evaluated: 2016-12-22. Review status: criteria provided, single submitter. Criteria: Ambry Variant Classification Scheme 2023. Collection method: clinical testing. Allele origin: germline.
Comment: The p.K586N variant (also known as c.1758G>T), located in coding exon 13 of the SDHA gene, results from a G to T substitution at nucleotide position 1758. The lysine at codon 586 is replaced by asparagine, an amino acid with similar properties. This amino acid position is highly conserved in available vertebrate species. In addition, the in silico prediction for this alteration is inconclusive. Since supporting evidence is limited at this time, the clinical significance of this alteration remains unclear.

NM_004168.4(SDHA):c.1758G>T (p.Lys586Asn)

Gene: SDHA (succinate dehydrogenase complex flavoprotein subunit A; plus strand). Cytogenetic location: 5p15.33.
Variant type: single nucleotide variant.
Coding change: c.1758G>T on transcript NM_004168.4 (MANE Select); coding-DNA position 1758, G replaced by T.
Protein change: p.Lys586Asn; replaces lysine 586 with asparagine.
Molecular consequence: missense variant. On other transcripts: intron variant (1).
Genome position (GRCh38, 1-based): chr5:251,432, G>T. VCF-style: chr5-251432-G-T. GRCh37 (hg19) VCF-style: chr5-251547-G-T.
Other names: c.1614G>T, p.Lys538Asn (NM_001294332.2); c.1552-2961G>T (NM_001330758.2); short protein forms K586N, K538N.
Identifiers: ClinVar variation 486397 (VCV000486397.5), dbSNP rs1554001953, ClinGen allele CA359000304.
Genomic context (GRCh38, chr5:251,432, plus strand): 5'-GGAGCTGCAGAACCTGATGCTGTGTGCGCTGCAGACCATCTACGGAGCAGAGGCACGGAA[G>T]GAGTCACGGGGCGCGCATGCCAGGGAAGACTACAAGGTGGGCCTTCTCACCACGCCCACC-3'
Protein context (NP_004159.2, residues 576-596): LQTIYGAEAR[Lys586Asn]ESRGAHARED